The following is an entry in ClinVar:

ClinVar aggregate classification (germline): Pathogenic (1 of 4 stars; one submission).

Conditions:
Ataxia-telangiectasia syndrome (AT). Also called: LOUIS-BAR SYNDROME; Cerebello-oculocutaneous telangiectasia; Immunodeficiency with ataxia telangiectasia; Ataxia telangiectasia (A-T); Ataxia-telangiectasia, complementation group D; AT, COMPLEMENTATION GROUP C. Identifiers: Orphanet 100, MedGen C0004135, MONDO:0008840, OMIM 208900.

Submission:

Labcorp Genetics (formerly Invitae), Labcorp
Classification: Pathogenic for Ataxia-telangiectasia syndrome. Last evaluated: 2023-01-26. Review status: criteria provided, single submitter. Criteria: Invitae Variant Classification Sherloc (09022015). Collection method: clinical testing. Allele origin: germline.
Comment: This sequence change creates a premature translational stop signal (p.Glu2221Serfs*14) in the ATM gene. It is expected to result in an absent or disrupted protein product. Loss-of-function variants in ATM are known to be pathogenic (PMID: 23807571, 25614872). This variant is not present in population databases (gnomAD no frequency). This variant has not been reported in the literature in individuals affected with ATM-related conditions. Algorithms developed to predict the effect of sequence changes on RNA splicing suggest that this variant may disrupt the consensus splice site. For these reasons, this variant has been classified as Pathogenic.

Literature cited by the submitters: PubMed 23807571; PubMed 25614872.

NM_000051.4(ATM):c.6661del (p.Glu2221fs)

Genes: ATM (ATM serine/threonine kinase; plus strand), C11orf65 (chromosome 11 open reading frame 65; minus strand). Cytogenetic location: 11q22.3.
Variant type: Deletion.
Coding change: c.6661del on transcript NM_000051.4 (MANE Select); coding-DNA position 6661, one base deleted (G; older notation c.6661delG).
Protein change: p.Glu2221fs; shifts the reading frame from glutamic acid 2221.
Molecular consequence: frameshift variant. On other transcripts: intron variant (2).
Genome position (GRCh38, 1-based): chr11:108,325,398, G deleted; the last of 2 consecutive G bases (chr11:108,325,397-108,325,398); deleting either gives the same sequence. VCF-style (leftmost placement, unchanged base first): chr11-108325396-AG-A. GRCh37 (hg19) VCF-style: chr11-108196123-AG-A.
Other names: c.6661del, p.Glu2221fs (NM_001351834.2); c.641-16326del (NM_001330368.2); c.*38+9823del (NM_001351110.2); short protein forms E2221fs.
Identifiers: ClinVar variation 2832286 (VCV002832286.3), dbSNP rs2547202086, ClinGen allele CA2739265988.
Genomic context (GRCh38, chr11:108,325,396, plus strand): 5'-AAGTATATATTAAGTGGCAGAAACACTCCCAGCTTCTCAAGGACAGTGATTTTAGTTTTC[AG>A]GAGCCTATCATGGCTCTACGCACAGTCATTTTGGAGATCCTGATGGAAAAGGAAATGGAC-3'